The following is an entry in ClinVar:

NM_000077.5(CDKN2A):c.215G>T (p.Cys72Phe)

Gene: CDKN2A (cyclin dependent kinase inhibitor 2A; minus strand). Cytogenetic location: 9p21.3.
Variant type: single nucleotide variant.
Coding change: c.215G>T on transcript NM_000077.5; coding-DNA position 215, G replaced by T.
Protein change: p.Cys72Phe; replaces cysteine 72 with phenylalanine.
Molecular consequence: missense variant (on NM_000077.6). On other transcripts: synonymous variant (1), 3 prime UTR variant (1).
Genome position (GRCh38, 1-based): chr9:21,971,144, C>A on the plus strand (G>T on the coding strand, the complement: CDKN2A is on the minus strand). VCF-style: chr9-21971144-C-A. GRCh37 (hg19) VCF-style: chr9-21971143-C-A.
Other names: c.215G>T, p.Cys72Phe (NM_000077.6, NM_001195132.2); c.62G>T, p.Cys21Phe (NM_001363763.2); c.258G>T, p.Leu86= (NM_058195.4); c.*138G>T (NM_058197.5); short protein forms C21F, C72F.
Identifiers: ClinVar variation 1320714 (VCV001320714.4), dbSNP rs2131095658, ClinGen allele CA373086311.

ClinVar aggregate classification (germline): Uncertain significance. Review status: criteria provided, multiple submitters, no conflicts (2 of 4 stars). 2 submissions from 2 submitters: Uncertain significance (2). Last evaluated 2022-09-20.

Conditions:
Hereditary cancer-predisposing syndrome. Also called: Hereditary Cancer Syndrome; Neoplastic Syndromes, Hereditary; Tumor predisposition; Hereditary neoplastic syndrome. Identifiers: Orphanet 140162, MedGen C0027672, MeSH D009386, MONDO:0015356.

Submissions (2):

Ambry Genetics
Classification: Uncertain significance for Hereditary cancer-predisposing syndrome. Last evaluated: 2022-09-20. Review status: criteria provided, single submitter. Criteria: Ambry Variant Classification Scheme 2023. Collection method: clinical testing. Allele origin: germline.
Comment: The p.C72F variant (also known as c.215G>T), located in coding exon 2 of the CDKN2A gene, results from a G to T substitution at nucleotide position 215. The cysteine at codon 72 is replaced by phenylalanine, an amino acid with highly dissimilar properties. This amino acid position is not well conserved in available vertebrate species. In addition, the in silico prediction for this alteration is inconclusive. Since supporting evidence is limited at this time, the clinical significance of this alteration remains unclear.

GeneDx
Classification: Uncertain significance. Last evaluated: 2019-04-25. Review status: criteria provided, single submitter. Criteria: GeneDx Variant Classification Process June 2021. Collection method: clinical testing. Allele origin: germline. Affected: yes.
Comment: Not observed in large population cohorts (Lek et al., 2016); In silico analysis, which includes protein predictors and evolutionary conservation, supports a deleterious effect; Has not been previously published as pathogenic or benign to our knowledge